The following is an entry in ClinVar:

ClinVar aggregate classification (germline): Uncertain significance. Review status: criteria provided, multiple submitters, no conflicts (2 of 4 stars). 2 submissions from 2 submitters: Uncertain significance (2). Last evaluated 2023-04-25.

Conditions:
Hereditary cancer-predisposing syndrome. Also called: Neoplastic Syndromes, Hereditary; Tumor predisposition; Hereditary Cancer Syndrome; Hereditary neoplastic syndrome. Identifiers: Orphanet 140162, MedGen C0027672, MeSH D009386, MONDO:0015356.

Allele frequency attached by ClinVar (database versions not stated): gnomAD exomes below 0.00001.
gnomAD v4.1: 6 of 1,614,134 alleles (0.00037%); highest among the groups gnomAD compares: Non-Finnish European, 0.00042%; no homozygotes.

Submissions (2):

Labcorp Genetics (formerly Invitae), Labcorp
Classification: Uncertain significance for Hereditary cancer-predisposing syndrome. Last evaluated: 2023-04-25. Review status: criteria provided, single submitter. Criteria: Invitae Variant Classification Sherloc (09022015). Collection method: clinical testing. Allele origin: germline.
Comment: This variant has not been reported in the literature in individuals affected with RAD50-related conditions. In summary, the available evidence is currently insufficient to determine the role of this variant in disease. Therefore, it has been classified as a Variant of Uncertain Significance. Advanced modeling of protein sequence and biophysical properties (such as structural, functional, and spatial information, amino acid conservation, physicochemical variation, residue mobility, and thermodynamic stability) performed at Invitae indicates that this missense variant is not expected to disrupt RAD50 protein function. ClinVar contains an entry for this variant (Variation ID: 527374). This variant is present in population databases (no rsID available, gnomAD no frequency). This sequence change replaces arginine, which is basic and polar, with leucine, which is neutral and non-polar, at codon 3 of the RAD50 protein (p.Arg3Leu).

Ambry Genetics
Classification: Uncertain significance for Hereditary cancer-predisposing syndrome. Last evaluated: 2023-01-17. Review status: criteria provided, single submitter. Criteria: Ambry Variant Classification Scheme 2023. Collection method: clinical testing. Allele origin: germline.
Comment: The p.R3L variant (also known as c.8G>T), located in coding exon 1 of the RAD50 gene, results from a G to T substitution at nucleotide position 8. The arginine at codon 3 is replaced by leucine, an amino acid with dissimilar properties. This amino acid position is not well conserved in available vertebrate species. In addition, this alteration is predicted to be tolerated by in silico analysis. Since supporting evidence is limited at this time, the clinical significance of this alteration remains unclear.

NM_005732.4(RAD50):c.8G>T (p.Arg3Leu)

Gene: RAD50 (RAD50 double strand break repair protein; plus strand). Cytogenetic location: 5q31.1.
Variant type: single nucleotide variant.
Coding change: c.8G>T on transcript NM_005732.4 (MANE Select); coding-DNA position 8, G replaced by T.
Protein change: p.Arg3Leu; replaces arginine 3 with leucine.
Molecular consequence: missense variant.
Genome position (GRCh38, 1-based): chr5:132,557,332, G>T. VCF-style: chr5-132557332-G-T. GRCh37 (hg19) VCF-style: chr5-131893024-G-T.
Other names: short protein forms R3L.
Identifiers: ClinVar variation 527374 (VCV000527374.11), dbSNP rs1277596729, ClinGen allele CA360950708.